The following is an entry in ClinVar:

ClinVar aggregate classification (germline): Uncertain significance. Review status: criteria provided, multiple submitters, no conflicts (2 of 4 stars). 2 submissions from 2 submitters: Uncertain significance (2). Last evaluated 2022-05-05.

Conditions:
Familial thoracic aortic aneurysm and aortic dissection (TAAD). Also called: Thoracic aortic aneurysms and dissections. Identifiers: Orphanet 91387, MedGen C4707243, MONDO:0019625.
Marfan syndrome (MFS). Also called: Marfan syndrome, classic; Marfan syndrome type 1; Marfan's syndrome; FBN1-Related Marfan Syndrome; MARFAN SYNDROME, TYPE I. Identifiers: Orphanet 284963, Orphanet 558, MedGen C0024796, MONDO:0007947, OMIM 154700.

Allele frequency attached by ClinVar (database versions not stated): gnomAD exomes below 0.00001; TOPMed 0.00001.
gnomAD v4.1: 1 of 1,613,924 alleles (0.000062%); highest among the groups gnomAD compares: Non-Finnish European, 0.000085%; no homozygotes.

Submissions (2):

Labcorp Genetics (formerly Invitae), Labcorp
Classification: Uncertain significance for Marfan syndrome; Familial thoracic aortic aneurysm and aortic dissection. Last evaluated: 2022-05-05. Review status: criteria provided, single submitter. Criteria: Invitae Variant Classification Sherloc (09022015). Collection method: clinical testing. Allele origin: germline.
Comment: This variant is not present in population databases (gnomAD no frequency). This variant has not been reported in the literature in individuals affected with FBN1-related conditions. ClinVar contains an entry for this variant (Variation ID: 921460). Advanced modeling of protein sequence and biophysical properties (such as structural, functional, and spatial information, amino acid conservation, physicochemical variation, residue mobility, and thermodynamic stability) performed at Invitae indicates that this missense variant is not expected to disrupt FBN1 protein function. In summary, the available evidence is currently insufficient to determine the role of this variant in disease. Therefore, it has been classified as a Variant of Uncertain Significance. This sequence change replaces aspartic acid, which is acidic and polar, with glycine, which is neutral and non-polar, at codon 2285 of the FBN1 protein (p.Asp2285Gly).

Color Diagnostics, LLC DBA Color Health
Classification: Uncertain significance for Familial thoracic aortic aneurysm and aortic dissection. Last evaluated: 2018-12-17. Review status: criteria provided, single submitter. Criteria: ACMG Guidelines, 2015. Collection method: clinical testing. Allele origin: germline.
Comment: Variant of Uncertain Significance due to insufficient evidence: This missense variant is located in the calcium-binding EGF-like motif 39 of the FBN1 protein. Computational prediction tools and conservation analyses are inconclusive regarding the impact of this variant on the protein function. Computational splicing tools suggest that this variant may not impact RNA splicing. To our knowledge, functional assays have not been performed for this variant nor has this variant been reported in individuals affected with cardiovascular disorders in the literature. This variant is rare in the general population and has been identified in 0/277264 chromosomes by the Genome Aggregation Database (gnomAD). Available evidence is insufficient to determine the pathogenicity of this variant conclusively.

NM_000138.5(FBN1):c.6854A>G (p.Asp2285Gly)

Gene: FBN1 (fibrillin 1; minus strand). Cytogenetic location: 15q21.1.
Variant type: single nucleotide variant.
Coding change: c.6854A>G on transcript NM_000138.5 (MANE Select); coding-DNA position 6854, A replaced by G.
Protein change: p.Asp2285Gly; replaces aspartic acid 2285 with glycine.
Molecular consequence: missense variant.
Genome position (GRCh38, 1-based): chr15:48,430,688, T>C on the plus strand (A>G on the coding strand, the complement: FBN1 is on the minus strand). VCF-style: chr15-48430688-T-C. GRCh37 (hg19) VCF-style: chr15-48722885-T-C.
Other names: short protein forms D2285G.
Identifiers: ClinVar variation 921460 (VCV000921460.5), dbSNP rs1160071679, ClinGen allele CA392331985.